The following is an entry in ClinVar:

ClinVar aggregate classification (germline): Uncertain significance. Review status: criteria provided, multiple submitters, no conflicts (2 of 4 stars). 2 submissions from 2 submitters: Uncertain significance (2). Last evaluated 2024-05-16.

Conditions:
Inborn genetic diseases. Identifiers: MedGen C0950123, MeSH D030342.

Allele frequency attached by ClinVar (database versions not stated): gnomAD exomes 0.00001; gnomAD 0.00008 and 0.00009; TOPMed 0.00009.
gnomAD v4.1: 19 of 1,611,508 alleles (0.0012%); highest among the groups gnomAD compares: Admixed American, 0.023%; no homozygotes.

Submissions (2):

Ambry Genetics
Classification: Uncertain significance for Inborn genetic diseases. Last evaluated: 2024-05-16. Review status: criteria provided, single submitter. Criteria: Ambry Variant Classification Scheme 2023. Collection method: clinical testing. Allele origin: germline.

GeneDx
Classification: Uncertain significance. Last evaluated: 2022-10-25. Review status: criteria provided, single submitter. Criteria: GeneDx Variant Classification Process June 2021. Collection method: clinical testing. Allele origin: germline. Affected: yes.
Comment: In silico analysis supports that this missense variant has a deleterious effect on protein structure/function; Has not been previously published as pathogenic or benign to our knowledge

NM_005883.3(APC2):c.3739C>T (p.Arg1247Trp)

Gene: APC2 (APC regulator of WNT signaling pathway 2; plus strand). Cytogenetic location: 19p13.3.
Variant type: single nucleotide variant.
Coding change: c.3739C>T on transcript NM_005883.3 (MANE Select); coding-DNA position 3739, C replaced by T.
Protein change: p.Arg1247Trp; replaces arginine 1247 with tryptophan.
Molecular consequence: missense variant.
Genome position (GRCh38, 1-based): chr19:1,467,040, C>T. VCF-style: chr19-1467040-C-T. GRCh37 (hg19) VCF-style: chr19-1467039-C-T.
Other names: c.3736C>T, p.Arg1246Trp (NM_001351273.1); short protein forms R1246W, R1247W.
Identifiers: ClinVar variation 1309501 (VCV001309501.4), dbSNP rs1033556225, ClinGen allele CA304077500.